The following is an entry in ClinVar:

ClinVar aggregate classification (germline): Likely benign. Review status: criteria provided, multiple submitters, no conflicts (2 of 4 stars). 3 submissions from 3 submitters: Likely benign (3). Last evaluated 2026-05-01.

Conditions:
Inborn genetic diseases. Identifiers: MedGen C0950123, MeSH D030342.

gnomAD v4.1: 31 of 1,613,176 alleles (0.0019%); highest among the groups gnomAD compares: African/African-American, 0.004%; no homozygotes.

Submissions (3):

CeGaT Center for Human Genetics Tuebingen
Classification: Likely benign. Last evaluated: 2026-05-01. Review status: criteria provided, single submitter. Criteria: CeGaT Center For Human Genetics Tuebingen Variant Classification Criteria Version 2. Collection method: clinical testing. Allele origin: germline. Affected: yes. Observed: 1 variant allele.
Comment: ARID1B: BP4, BP7

Labcorp Genetics (formerly Invitae), Labcorp
Classification: Likely benign. Last evaluated: 2025-08-18. Review status: criteria provided, single submitter. Criteria: Invitae Variant Classification Sherloc (09022015). Collection method: clinical testing. Allele origin: germline.

Ambry Genetics
Classification: Likely benign for Inborn genetic diseases. Last evaluated: 2017-12-15. Review status: criteria provided, single submitter. Criteria: Ambry Variant Classification Scheme 2023. Collection method: clinical testing. Allele origin: germline.

NM_001374828.1(ARID1B):c.4260G>A (p.Thr1420=)

Gene: ARID1B (AT-rich interaction domain 1B; plus strand). Cytogenetic location: 6q25.3.
Variant type: single nucleotide variant.
Coding change: c.4260G>A on transcript NM_001374828.1 (MANE Select); coding-DNA position 4260, G replaced by A.
Protein change: p.Thr1420=; no amino-acid change (threonine 1420 retained).
Molecular consequence: synonymous variant.
Genome position (GRCh38, 1-based): chr6:157,196,193, G>A. VCF-style: chr6-157196193-G-A. GRCh37 (hg19) VCF-style: chr6-157517327-G-A.
Other names: c.4011G>A, p.Thr1337= (NM_001346813.1); c.1761G>A, p.Thr587= (NM_001363725.2); c.4140G>A, p.Thr1380= (NM_001371656.1, NM_001374820.1); c.4101G>A, p.Thr1367= (NM_017519.3); c.3891G>A, p.Thr1297= (NM_020732.3); c.3678G>A, p.Thr1226= (NM_175863.2).
Identifiers: ClinVar variation 1735904 (VCV001735904.7), dbSNP rs374823620, ClinGen allele CA4067580.